The following is an entry in ClinVar:

ClinVar aggregate classification (germline): Likely pathogenic (1 of 4 stars; one submission).

Conditions:
alpha Thalassemia. Also called: Alpha thalassemia spectrum. Identifiers: Orphanet 846, MedGen C0002312, MONDO:0011399, OMIM 604131.

Submission:

Natera, Inc.
Classification: Likely pathogenic for Alpha thalassemia. Last evaluated: 2025-07-23. Review status: criteria provided, single submitter. Criteria: Natera Variant Classification Schema (03/2026). Collection method: clinical testing. Allele origin: germline.
Comment: The c.117_118insT variant in HBA1 is a frameshift variant predicted to shift the reading frame beginning at codon 40 and leads to a stop codon 18 codons downstream. This variant is expected to result in nonsense mediated decay, truncation, or a dysfunctional protein product. This variant is rare in the general population with a frequency below the threshold expected for the associated phenotype(s). Given the available evidence, this variant is classified as Likely Pathogenic.

NM_000558.5(HBA1):c.117_118insT (p.Thr40fs)

Genes: HBA1 (hemoglobin subunit alpha 1; plus strand), LOC106804613 (hemoglobin subunit alpha 1 recombination region; plus strand). Cytogenetic location: 16p13.3.
Variant type: Insertion.
Coding change: c.117_118insT on transcript NM_000558.5 (MANE Select); coding-DNA positions 117 to 118, T inserted.
Protein change: p.Thr40fs; shifts the reading frame from threonine 40.
Molecular consequence: frameshift variant.
Genome position: GRCh38 VCF-style: chr16-176950-C-CT. GRCh37 (hg19) VCF-style: chr16-226949-C-CT.
Other names: short protein forms T40fs.
Identifiers: ClinVar variation 4814362 (VCV004814362.1).